The following is an entry in ClinVar:

NM_002025.4(AFF2):c.112C>T (p.Gln38Ter)

Gene: AFF2 (ALF transcription elongation factor 2; plus strand). Cytogenetic location: Xq28.
Variant type: single nucleotide variant.
Coding change: c.112C>T on transcript NM_002025.4 (MANE Select); coding-DNA position 112, C replaced by T.
Protein change: p.Gln38Ter; replaces glutamine 38 with a stop codon.
Molecular consequence: nonsense.
Genome position (GRCh38, 1-based): chrX:148,652,063, C>T. VCF-style: chrX-148652063-C-T. GRCh37 (hg19) VCF-style: chrX-147733584-C-T.
Other names: c.112C>T, p.Gln38Ter (NM_001169122.2, NM_001169123.2, NM_001169124.2 and 1 more transcripts); short protein forms Q38*.
Identifiers: ClinVar variation 4855109 (VCV004855109.1).

ClinVar aggregate classification (germline): Likely pathogenic (1 of 4 stars; one submission).

Conditions:
FRAXE. Also called: FRAXE Syndrome; Intellectual disability, X-linked, FRAXE type; Intellectual developmental disorder, X-linked 109; FRAXE intellectual disability; Fragile XE syndrome. Identifiers: Orphanet 100973, MedGen C0751157, MONDO:0010659, OMIM 309548. Disease mechanism: loss of function.

Submission:

3billion
Classification: Likely pathogenic for FRAXE. Last evaluated: 2025-12-16. Review status: criteria provided, single submitter. Criteria: ACMG Guidelines, 2015. Collection method: clinical testing. Allele origin: germline. Affected: yes.
Comment: The variant is not observed in the gnomAD v4.1.0 dataset. Predicted Consequence/Location: Stop-gained (nonsense): predicted to result in a loss or disruption of normal protein function through nonsense-mediated decay (NMD) or protein truncation. Multiple pathogenic variants are reported downstream of the variant. Therefore, this variant is classified as Likely pathogenic according to the recommendation of ACMG/AMP guideline.